The following is an entry in ClinVar:

ClinVar aggregate classification (germline): Likely benign. Review status: criteria provided, single submitter (1 of 4 stars). 2 submissions from 2 submitters: Likely benign (1). 1 of the submissions does not count toward it. Last evaluated 2025-11-15.

Conditions:
BBS9-related disorder. Also called: BBS9-related condition.
Bardet-Biedl syndrome (BBS). Identifiers: Orphanet 110, MedGen C0752166, MONDO:0015229.

Allele frequency attached by ClinVar (database versions not stated): ExAC 0.00002; gnomAD 0.00004; TOPMed 0.00004; gnomAD exomes 0.00007.
gnomAD v4.1: 41 of 1,613,706 alleles (0.0025%); highest among the groups gnomAD compares: Admixed American, 0.03%; no homozygotes.

Submissions (2):

Labcorp Genetics (formerly Invitae), Labcorp
Classification: Likely benign for Bardet-Biedl syndrome. Last evaluated: 2025-11-15. Review status: criteria provided, single submitter. Criteria: Invitae Variant Classification Sherloc (09022015). Collection method: clinical testing. Allele origin: germline.

PreventionGenetics, part of Exact Sciences
Classification: Likely benign for BBS9-related condition. Last evaluated: 2023-12-31. Review status: no assertion criteria provided. Collection method: clinical testing. Allele origin: germline. Not counted in ClinVar's aggregate classification.
Comment: This variant is classified as likely benign based on ACMG/AMP sequence variant interpretation guidelines (Richards et al. 2015 PMID: 25741868, with internal and published modifications).

NM_198428.3(BBS9):c.600A>G (p.Gln200=)

Gene: BBS9 (Bardet-Biedl syndrome 9; plus strand). Cytogenetic location: 7p14.3.
Variant type: single nucleotide variant.
Coding change: c.600A>G on transcript NM_198428.3 (MANE Select); coding-DNA position 600, A replaced by G.
Protein change: p.Gln200=; no amino-acid change (glutamine 200 retained).
Molecular consequence: synonymous variant. On other transcripts: non-coding transcript variant (3).
Genome position (GRCh38, 1-based): chr7:33,257,393, A>G. VCF-style: chr7-33257393-A-G. GRCh37 (hg19) VCF-style: chr7-33297005-A-G.
Other names: c.600A>G (NM_198428.2); c.600A>G, p.Gln200= (NM_001033604.2, NM_001033605.2, NM_001348036.1 and 5 more transcripts); c.234A>G, p.Gln78= (NM_001348037.3, NM_001348044.3, NM_001348045.3 and 1 more transcripts); c.327A>G, p.Gln109= (NM_001348038.3, NM_001348039.3); c.465A>G, p.Gln155= (NM_001348042.3).
Identifiers: ClinVar variation 1000460 (VCV001000460.8), dbSNP rs764060515, ClinGen allele CA4214043.